The following is an entry in ClinVar:

NM_015166.4(MLC1):c.627C>T (p.Ala209=)

Gene: MLC1 (modulator of VRAC current 1; minus strand). Cytogenetic location: 22q13.33.
Variant type: single nucleotide variant.
Coding change: c.627C>T on transcript NM_015166.4 (MANE Select); coding-DNA position 627, C replaced by T.
Protein change: p.Ala209=; no amino-acid change (alanine 209 retained).
Molecular consequence: synonymous variant. On other transcripts: non-coding transcript variant (3).
Genome position (GRCh38, 1-based): chr22:50,074,303, G>A on the plus strand (C>T on the coding strand, the complement: MLC1 is on the minus strand). VCF-style: chr22-50074303-G-A. GRCh37 (hg19) VCF-style: chr22-50512732-G-A.
Other names: c.627C>T, p.Ala209= (NM_001376472.1, NM_001376473.1, NM_001376474.1 and 6 more transcripts); c.537C>T, p.Ala179= (NM_001376480.1); c.525C>T, p.Ala175= (NM_001376481.1); c.471C>T, p.Ala157= (NM_001376482.1, NM_001376483.1); c.390C>T, p.Ala130= (NM_001376484.1).
Identifiers: ClinVar variation 342106 (VCV000342106.58), dbSNP rs138153307, ClinGen allele CA10303434.

ClinVar aggregate classification (germline): Conflicting classifications of pathogenicity. Review status: criteria provided, conflicting classifications (1 of 4 stars). 6 submissions from 6 submitters: Uncertain significance (1); Benign (1); Likely benign (3). 1 of the submissions does not count toward it. Last evaluated 2026-05-01.

Conditions:
Megalencephalic leukoencephalopathy with subcortical cysts 1 (MLC1). Also called: LEUKOENCEPHALOPATHY WITH SWELLING AND CYSTS; VACUOLATING MEGALENCEPHALIC LEUKOENCEPHALOPATHY WITH SUBCORTICAL CYSTS. Identifiers: Orphanet 2478, MedGen C5779875, MONDO:0024555, OMIM 604004.
Megalencephalic leukoencephalopathy with subcortical cysts. Also called: VAN DER KNAAP DISEASE. Identifiers: Orphanet 2478, MedGen C1858854, MONDO:0011391.

Allele frequency attached by ClinVar (database versions not stated): 1000 Genomes Project 30x 0.00016; 1000 Genomes Project 0.00020; gnomAD 0.00070 and 0.00071; gnomAD exomes 0.00073 and 0.00154; ExAC 0.00075; TOPMed 0.00088; ESP Exome Variant Server 0.00115.
gnomAD v4.1: 2,343 of 1,614,078 alleles (0.15%); highest among the groups gnomAD compares: Non-Finnish European, 0.19%; 3 homozygotes.

Submissions (6):

CeGaT Center for Human Genetics Tuebingen
Classification: Likely benign. Last evaluated: 2026-05-01. Review status: criteria provided, single submitter. Criteria: CeGaT Center For Human Genetics Tuebingen Variant Classification Criteria Version 2. Collection method: clinical testing. Allele origin: germline. Affected: yes. Observed: 8 variant alleles.
Comment: MLC1: BP4, BP7

Labcorp Genetics (formerly Invitae), Labcorp
Classification: Benign. Last evaluated: 2026-01-28. Review status: criteria provided, single submitter. Criteria: Invitae Variant Classification Sherloc (09022015). Collection method: clinical testing. Allele origin: germline.

Blueprint Genetics
Classification: Likely benign. Last evaluated: 2024-11-18. Review status: criteria provided, single submitter. Criteria: ACMG Guidelines, 2015. Collection method: clinical testing. Allele origin: germline.

Genome-Nilou Lab
Classification: Likely benign for Megalencephalic leukoencephalopathy with subcortical cysts 1. Last evaluated: 2021-05-18. Review status: criteria provided, single submitter. Criteria: ACMG Guidelines, 2015. Collection method: clinical testing. Allele origin: germline. Affected: no.

Illumina Laboratory Services, Illumina
Classification: Uncertain significance for Megalencephalic leukoencephalopathy with subcortical cysts 1. Last evaluated: 2018-01-13. Review status: criteria provided, single submitter. Criteria: ICSL Variant Classification Criteria 13 December 2019. Collection method: clinical testing. Allele origin: germline.

Natera, Inc.
Classification: Benign for Megalencephalic leukoencephalopathy with subcortical cysts. Last evaluated: 2019-11-11. Review status: no assertion criteria provided. Collection method: clinical testing. Allele origin: germline. Not counted in ClinVar's aggregate classification.